The following is an entry in ClinVar:

ClinVar aggregate classification (germline): Uncertain significance (1 of 4 stars; one submission).

Conditions:
Hereditary cancer-predisposing syndrome. Also called: Tumor predisposition; Neoplastic Syndromes, Hereditary; Hereditary Cancer Syndrome; Hereditary neoplastic syndrome. Identifiers: Orphanet 140162, MedGen C0027672, MeSH D009386, MONDO:0015356.

Submission:

Ambry Genetics
Classification: Uncertain significance for Hereditary cancer-predisposing syndrome. Last evaluated: 2024-08-18. Review status: criteria provided, single submitter. Criteria: Ambry Variant Classification Scheme 2023. Collection method: clinical testing. Allele origin: germline.
Comment: The p.M794L variant (also known as c.2380A>C), located in coding exon 10 of the BRCA2 gene, results from an A to C substitution at nucleotide position 2380. The methionine at codon 794 is replaced by leucine, an amino acid with highly similar properties. This amino acid position is conserved. In addition, this alteration is predicted to be tolerated by in silico analysis. Based on the available evidence, the clinical significance of this variant remains unclear.

NM_000059.4(BRCA2):c.2380A>C (p.Met794Leu)

Gene: BRCA2 (BRCA2 DNA repair associated; plus strand). Cytogenetic location: 13q13.1.
Variant type: single nucleotide variant.
Coding change: c.2380A>C on transcript NM_000059.4 (MANE Select); coding-DNA position 2380, A replaced by C.
Protein change: p.Met794Leu; replaces methionine 794 with leucine.
Molecular consequence: missense variant. On other transcripts: non-coding transcript variant (1), intron variant (2).
Genome position (GRCh38, 1-based): chr13:32,336,735, A>C. VCF-style: chr13-32336735-A-C. GRCh37 (hg19) VCF-style: chr13-32910872-A-C.
Other names: c.2380A>C, p.Met794Leu (NM_001406719.1, NM_001406720.1, NM_001432077.1); c.1909+3348A>C (NM_001406721.1); c.424+5705A>C (NM_001406722.1); short protein forms M794L.
Identifiers: ClinVar variation 3482063 (VCV003482063.1).